The following is an entry in ClinVar:

NM_181458.4(PAX3):c.100G>T (p.Gly34Cys)

Gene: PAX3 (paired box 3; minus strand). Cytogenetic location: 2q36.1.
Variant type: single nucleotide variant.
Coding change: c.100G>T on transcript NM_181458.4 (MANE Select); coding-DNA position 100, G replaced by T.
Protein change: p.Gly34Cys; replaces glycine 34 with cysteine.
Molecular consequence: missense variant.
Genome position (GRCh38, 1-based): chr2:222,297,199, C>A on the plus strand (G>T on the coding strand, the complement: PAX3 is on the minus strand). VCF-style: chr2-222297199-C-A. GRCh37 (hg19) VCF-style: chr2-223161918-C-A.
Other names: c.100G>T, p.Gly34Cys (NM_000438.6, NM_001127366.3, NM_013942.5 and 4 more transcripts); short protein forms G34C.
Identifiers: ClinVar variation 597512 (VCV000597512.9), dbSNP rs777273543, ClinGen allele CA2135802.

ClinVar aggregate classification (germline): Uncertain significance. Review status: criteria provided, multiple submitters, no conflicts (2 of 4 stars). 3 submissions from 3 submitters: Uncertain significance (3). Last evaluated 2024-07-08.

Allele frequency attached by ClinVar (database versions not stated): gnomAD 0.00001; TOPMed 0.00002.
gnomAD v4.1: 15 of 1,582,986 alleles (0.00095%); highest among the groups gnomAD compares: African/African-American, 0.0027%; no homozygotes.

Submissions (3):

Labcorp Genetics (formerly Invitae), Labcorp
Classification: Uncertain significance. Last evaluated: 2024-07-08. Review status: criteria provided, single submitter. Criteria: Invitae Variant Classification Sherloc (09022015). Collection method: clinical testing. Allele origin: germline.
Comment: This sequence change replaces glycine, which is neutral and non-polar, with cysteine, which is neutral and slightly polar, at codon 34 of the PAX3 protein (p.Gly34Cys). This variant is not present in population databases (gnomAD no frequency). This variant has not been reported in the literature in individuals affected with PAX3-related conditions. ClinVar contains an entry for this variant (Variation ID: 597512). Advanced modeling of protein sequence and biophysical properties (such as structural, functional, and spatial information, amino acid conservation, physicochemical variation, residue mobility, and thermodynamic stability) performed at Invitae indicates that this missense variant is not expected to disrupt PAX3 protein function with a negative predictive value of 80%. In summary, the available evidence is currently insufficient to determine the role of this variant in disease. Therefore, it has been classified as a Variant of Uncertain Significance.

GeneDx
Classification: Uncertain significance. Last evaluated: 2019-09-27. Review status: criteria provided, single submitter. Criteria: GeneDx Variant Classification Process June 2021. Collection method: clinical testing. Allele origin: germline. Affected: yes.
Comment: In silico analysis, which includes protein predictors and evolutionary conservation, supports a deleterious effect; Has not been previously published as pathogenic or benign to our knowledge

Eurofins Ntd Llc (ga)
Classification: Uncertain significance. Last evaluated: 2018-06-22. Review status: criteria provided, single submitter. Criteria: EGL ClinVar v180209 classification definitions. Collection method: clinical testing. Allele origin: germline. Observed: 1 variant allele, 1 heterozygote.